The following is an entry in ClinVar:

NM_001184880.2(PCDH19):c.3370G>C (p.Glu1124Gln)

Gene: PCDH19 (protocadherin 19; minus strand). Cytogenetic location: Xq22.1.
Variant type: single nucleotide variant.
Coding change: c.3370G>C on transcript NM_001184880.2 (MANE Select); coding-DNA position 3370, G replaced by C.
Protein change: p.Glu1124Gln; replaces glutamic acid 1124 with glutamine.
Molecular consequence: missense variant.
Genome position (GRCh38, 1-based): chrX:100,296,354, C>G on the plus strand (G>C on the coding strand, the complement: PCDH19 is on the minus strand). VCF-style: chrX-100296354-C-G. GRCh37 (hg19) VCF-style: chrX-99551352-C-G.
Other names: c.3229G>C, p.Glu1077Gln (NM_001105243.2); c.3226G>C, p.Glu1076Gln (NM_020766.3); short protein forms E1124Q, E1077Q, E1076Q.
Identifiers: ClinVar variation 575844 (VCV000575844.10), dbSNP rs1569284025, ClinGen allele CA413999467.

ClinVar aggregate classification (germline): Uncertain significance (1 of 4 stars; one submission).

Conditions:
Developmental and epileptic encephalopathy, 9 (DEE9). Also called: Early infantile epileptic encephalopathy 9; JUBERG-HELLMAN SYNDROME; EPILEPSY, FEMALE-RESTRICTED, WITH MENTAL RETARDATION; PCDH19-Related X-Linked Female-Limited Epilepsy with Mental Retardation. Identifiers: Orphanet 101039, Orphanet 2076, MedGen C1848137, MONDO:0010246, OMIM 300088. Disease mechanism: loss of function.

Submission:

Labcorp Genetics (formerly Invitae), Labcorp
Classification: Uncertain significance for Developmental and epileptic encephalopathy, 9. Last evaluated: 2020-03-06. Review status: criteria provided, single submitter. Criteria: Invitae Variant Classification Sherloc (09022015). Collection method: clinical testing. Allele origin: germline.
Comment: This sequence change replaces glutamic acid with glutamine at codon 1124 of the PCDH19 protein (p.Glu1124Gln). The glutamic acid residue is highly conserved and there is a small physicochemical difference between glutamic acid and glutamine. This variant is not present in population databases (ExAC no frequency). This variant has not been reported in the literature in individuals with PCDH19-related disease. Algorithms developed to predict the effect of missense changes on protein structure and function are either unavailable or do not agree on the potential impact of this missense change (SIFT: "Deleterious"; PolyPhen-2: "Possibly Damaging"; Align-GVGD: "Class C0"). In summary, the available evidence is currently insufficient to determine the role of this variant in disease. Therefore, it has been classified as a Variant of Uncertain Significance.